The following is an entry in ClinVar:

ClinVar aggregate classification (germline): Likely benign. Review status: criteria provided, multiple submitters, no conflicts (2 of 4 stars). 2 submissions from 2 submitters: Likely benign (2). Last evaluated 2025-12-30.

Conditions:
UNC45A-related disorder. Also called: UNC45A-related condition.

Allele frequency attached by ClinVar (database versions not stated): gnomAD 0.00003.
gnomAD v4.1: 105 of 1,613,998 alleles (0.0065%); highest among the groups gnomAD compares: Admixed American, 0.028%; no homozygotes.

Submissions (2):

PreventionGenetics, part of Exact Sciences
Classification: Likely benign for UNC45A-related condition. Last evaluated: 2025-12-30. Review status: criteria provided, single submitter. Criteria: ACMG Guidelines, 2015. Collection method: clinical testing. Allele origin: germline.
Comment: This variant is classified as likely benign based on ACMG/AMP sequence variant interpretation guidelines (Richards et al. 2015 PMID: 25741868, with internal and published modifications).

Labcorp Genetics (formerly Invitae), Labcorp
Classification: Likely benign. Last evaluated: 2025-09-08. Review status: criteria provided, single submitter. Criteria: Invitae Variant Classification Sherloc (09022015). Collection method: clinical testing. Allele origin: germline.

NM_018671.5(UNC45A):c.741C>T (p.Gly247=)

Gene: UNC45A (unc-45 myosin chaperone A; plus strand). Cytogenetic location: 15q26.1.
Variant type: single nucleotide variant.
Coding change: c.741C>T on transcript NM_018671.5 (MANE Select); coding-DNA position 741, C replaced by T.
Protein change: p.Gly247=; no amino-acid change (glycine 247 retained).
Molecular consequence: synonymous variant.
Genome position (GRCh38, 1-based): chr15:90,942,490, C>T. VCF-style: chr15-90942490-C-T. GRCh37 (hg19) VCF-style: chr15-91485720-C-T.
Other names: c.696C>T, p.Gly232= (NM_001039675.2, NM_001323621.2); c.741C>T, p.Gly247= (NM_001323619.1); c.306C>T, p.Gly102= (NM_001323620.2).
Identifiers: ClinVar variation 1665878 (VCV001665878.9), dbSNP rs768395749, ClinGen allele CA7742656.